The following is an entry in ClinVar:

NM_001377.3(DYNC2H1):c.9814T>A (p.Leu3272Ile)

Gene: DYNC2H1 (dynein cytoplasmic 2 heavy chain 1; plus strand). Cytogenetic location: 11q22.3.
Variant type: single nucleotide variant.
Coding change: c.9814T>A on transcript NM_001377.3 (MANE Select); coding-DNA position 9814, T replaced by A.
Protein change: p.Leu3272Ile; replaces leucine 3272 with isoleucine.
Molecular consequence: missense variant.
Genome position (GRCh38, 1-based): chr11:103,236,534, T>A. VCF-style: chr11-103236534-T-A. GRCh37 (hg19) VCF-style: chr11-103107263-T-A.
Other names: c.9814T>A, p.Leu3272Ile (NM_001080463.2); short protein forms L3272I.
Identifiers: ClinVar variation 215778 (VCV000215778.31), dbSNP rs200342335, ClinGen allele CA337070.
Genomic context (GRCh38, chr11:103,236,534, plus strand): 5'-ATTTGGAAAAGTGAAGGCCTACCATCAGATGACCTTTCCATAGAAAATGCTCTTGTAATA[T>A]TACAGGTAGTTAATTTATTTTAATTTTTTTATTAGAAATGTTTTATTGTCAAGCTTGCTG-3'
Protein context (NP_001368.2, residues 3262-3282): DLSIENALVI[Leu3272Ile]QSRVCPFLID

ClinVar aggregate classification (germline): Conflicting classifications of pathogenicity. Review status: criteria provided, conflicting classifications (1 of 4 stars). 7 submissions from 7 submitters: Uncertain significance (1); Benign (1); Likely benign (4). 1 of the submissions does not count toward it. Last evaluated 2026-01-28.

Conditions:
DYNC2H1-related disorder. Also called: DYNC2H1-related condition; DYNC2H1-related disorders. Identifiers: MedGen CN378770.
Jeune thoracic dystrophy. Also called: Jeune syndrome; Infantile thoracic dystrophy; Thoracic pelvic phalangeal dystrophy; Jeune's syndrome; Chondroectodermal dysplasia-like syndrome; Short-rib thoracic dysplasia. Identifiers: Orphanet 474, MedGen C0265275, MONDO:0018770.
Asphyxiating thoracic dystrophy 3. Also called: POLYDACTYLY WITH NEONATAL CHONDRODYSTROPHY, TYPE I; Short rib polydactyly syndrome 2B; Saldino-Noonan Syndrome; SHORT-RIB THORACIC DYSPLASIA 3 WITH OR WITHOUT POLYDACTYLY; SHORT-RIB THORACIC DYSPLASIA 3/6 WITH POLYDACTYLY, DIGENIC. Identifiers: Orphanet 474, Orphanet 93269, Orphanet 93270, Orphanet 93271, MedGen C0036069, MONDO:0013127, OMIM 613091.

Allele frequency attached by ClinVar (database versions not stated): gnomAD exomes 0.00018 and 0.00050; ExAC 0.00059; ESP Exome Variant Server 0.00171; gnomAD 0.00219 and 0.00236; TOPMed 0.00236; 1000 Genomes Project 0.00260; 1000 Genomes Project 30x 0.00297.
gnomAD v4.1: 594 of 1,503,502 alleles (0.04%); highest among the groups gnomAD compares: African/African-American, 0.74%; 1 homozygote.

Submissions (7):

Labcorp Genetics (formerly Invitae), Labcorp
Classification: Likely benign for Jeune thoracic dystrophy. Last evaluated: 2026-01-28. Review status: criteria provided, single submitter. Criteria: Invitae Variant Classification Sherloc (09022015). Collection method: clinical testing. Allele origin: germline.

Blueprint Genetics
Classification: Benign. Last evaluated: 2024-08-21. Review status: criteria provided, single submitter. Criteria: ACMG Guidelines, 2015. Collection method: clinical testing. Allele origin: germline.

GeneDx
Classification: Likely benign. Last evaluated: 2020-09-14. Review status: criteria provided, single submitter. Criteria: GeneDx Variant Classification Process June 2021. Collection method: clinical testing. Allele origin: germline. Affected: yes.
Comment: This variant is associated with the following publications: (PMID: 28973083)

ARUP Laboratories, Molecular Genetics and Genomics, ARUP Laboratories
Classification: Uncertain significance. Last evaluated: 2018-03-01. Review status: criteria provided, single submitter. Criteria: ARUP Molecular Germline Variant Investigation Process. Collection method: clinical testing. Allele origin: germline.
Comment: This variant is listed in the Genome Aggregation Database (gnomAD) with a frequency of 0.7 percent in the African population (identified on 171 out of 23,438 chromosomes, including 1 homozygote). The leucine at position 3,272 is highly conserved up to Hawaiian sea urchin considering 28 species (Alamut v2.10) and computational analyses of the p.Leu3272Ile variant on protein structure and function indicates a deleterious effect (SIFT: damaging, PolyPhen-2: possibly damaging). Altogether, there is not enough evidence to classify the p.Leu3272Ile variant with certainty.

Illumina Laboratory Services, Illumina
Classification: Likely benign for Asphyxiating thoracic dystrophy 3. Last evaluated: 2018-01-13. Review status: criteria provided, single submitter. Criteria: ICSL Variant Classification Criteria 13 December 2019. Collection method: clinical testing. Allele origin: germline.
Comment: This variant was observed in the ICSL laboratory as part of a predisposition screen in an ostensibly healthy population. It had not been previously curated by ICSL or reported in the Human Gene Mutation Database (HGMD: prior to June 1st, 2018), and was therefore a candidate for classification through an automated scoring system. Utilizing variant allele frequency, disease prevalence and penetrance estimates, and inheritance mode, an automated score was calculated to assess if this variant is too frequent to cause the disease. Based on the score and internal cut-off values, a variant classified as likely benign is not then subjected to further curation. The score for this variant resulted in a classification of likely benign for this disease.

Eurofins Ntd Llc (ga)
Classification: Likely benign. Last evaluated: 2017-04-13. Review status: criteria provided, single submitter. Criteria: EGL Classification Definitions 2015. Collection method: clinical testing. Allele origin: germline. Observed: 1 variant allele, 1 heterozygote.

PreventionGenetics, part of Exact Sciences
Classification: Likely benign for DYNC2H1-related condition. Last evaluated: 2023-05-03. Review status: no assertion criteria provided. Collection method: clinical testing. Allele origin: germline. Not counted in ClinVar's aggregate classification.
Comment: This variant is classified as likely benign based on ACMG/AMP sequence variant interpretation guidelines (Richards et al. 2015 PMID: 25741868, with internal and published modifications).